The following is an entry in ClinVar:

ClinVar aggregate classification (germline): Likely pathogenic (1 of 4 stars; one submission).

Conditions:
Wilson disease (WND). Also called: Wilson's disease. Identifiers: Orphanet 905, MedGen C0019202, MONDO:0010200, OMIM 277900. Disease mechanism: loss of function.

Submission:

3billion
Classification: Likely pathogenic for Wilson disease. Last evaluated: 2023-08-02. Review status: criteria provided, single submitter. Criteria: ACMG Guidelines, 2015. Collection method: clinical testing. Allele origin: germline. Affected: yes.
Comment: The variant is not observed in the gnomAD v2.1.1 dataset. Predicted Consequence/Location: Missense variant In silico tool predictions suggest damaging effect of the variant on gene or gene product (REVEL: 0.81; 3Cnet: 0.96). Same nucleotide change resulting in same amino acid change has been previously reported to be associated with ATP7B related disorder (ClinVar ID: VCV002572492 /PMID: 25465132 /3billion dataset). However, the evidence of pathogenicity is insufficient at this time. The variant has been observed in at least two similarly affected unrelated individuals (3billion dataset). The variant has been reported to be in trans with a pathogenic variant as either compound heterozygous or homozygous in at least one similarly affected unrelated individual (PMID: 25465132). The variant has been reported to co-segregate with the disease in at least one similarly affected relative/individual in the same family or similarly affected unrelated family (PMID: 25465132). Therefore, this variant is classified as Likely pathogenic according to the recommendation of ACMG/AMP guideline.

Literature cited by the submitters: PubMed 25465132.

NM_000053.4(ATP7B):c.3227C>T (p.Thr1076Ile)

Gene: ATP7B (ATPase copper transporting beta; minus strand). Cytogenetic location: 13q14.3.
Variant type: single nucleotide variant.
Coding change: c.3227C>T on transcript NM_000053.4 (MANE Select); coding-DNA position 3227, C replaced by T.
Protein change: p.Thr1076Ile; replaces threonine 1076 with isoleucine.
Molecular consequence: missense variant. On other transcripts: intron variant (1).
Genome position (GRCh38, 1-based): chr13:51,944,125, G>A on the plus strand (C>T on the coding strand, the complement: ATP7B is on the minus strand). VCF-style: chr13-51944125-G-A. GRCh37 (hg19) VCF-style: chr13-52518261-G-A.
Other names: c.3227C>T, p.Thr1076Ile (NM_001406511.1, NM_001406512.1, NM_001406526.1); c.3221C>T, p.Thr1074Ile (NM_001406513.1); c.3194C>T, p.Thr1065Ile (NM_001406514.1); c.3173C>T, p.Thr1058Ile (NM_001406515.1, NM_001406516.1); c.3131C>T, p.Thr1044Ile (NM_001406517.1, NM_001406518.1); c.3092C>T, p.Thr1031Ile (NM_001406519.1); c.3083C>T, p.Thr1028Ile (NM_001406520.1, NM_001406521.1, NM_001406522.1); c.3050C>T, p.Thr1017Ile (NM_001406524.1); and 19 more; short protein forms T1011I, T1017I, T1028I, T1031I, T1044I, T1058I, T1065I, T1074I.
Identifiers: ClinVar variation 2572492 (VCV002572492.3), dbSNP rs2547626863, ClinGen allele CA388029805.